The following is an entry in ClinVar:

Conditions:
Arteriohepatic dysplasia. Also called: Alagille Syndrome. Identifiers: Orphanet 52, MedGen C0085280, MeSH D016738, MONDO:0007318.

Submission:

Gilbert/Spinner Lab, Children's Hospital of Philadelphia
No classification provided (evidence only). Condition: Alagille syndrome. Review status: no classification provided. Collection method: research. Allele origin: not applicable. Functional consequence: functionally_abnormal.
ClinVar note: "not provided" was previously submitted as the classification for the variant. However, the classification appeared to be based only on an observation of functional data so it was converted to no classification on 2025-07-30.

NM_000214.3(JAG1):c.935G>T (p.Cys312Phe)

Gene: JAG1 (jagged canonical Notch ligand 1; minus strand). Cytogenetic location: 20p12.2.
Variant type: single nucleotide variant.
Coding change: c.935G>T on transcript NM_000214.3 (MANE Select); coding-DNA position 935, G replaced by T.
Protein change: p.Cys312Phe; replaces cysteine 312 with phenylalanine.
Molecular consequence: missense variant.
Genome position (GRCh38, 1-based): chr20:10,652,202, C>A on the plus strand (G>T on the coding strand, the complement: JAG1 is on the minus strand). VCF-style: chr20-10652202-C-A. GRCh37 (hg19) VCF-style: chr20-10632850-C-A.
Other names: short protein forms C312F.
Identifiers: ClinVar variation 3573190 (VCV003573190.2).